The following is an entry in ClinVar:

ClinVar aggregate classification (germline): Uncertain significance (1 of 4 stars; one submission).

Conditions:
Hereditary spastic paraplegia 4. Also called: Spastic paraplegia 4, autosomal dominant; Spastic Paraplegia 4; Familial spastic paraplegia autosomal dominant 2. Identifiers: Orphanet 100985, MedGen C1866855, MONDO:0008438, OMIM 182601.

Submission:

Labcorp Genetics (formerly Invitae), Labcorp
Classification: Uncertain significance for Hereditary spastic paraplegia 4. Last evaluated: 2024-06-15. Review status: criteria provided, single submitter. Criteria: Invitae Variant Classification Sherloc (09022015). Collection method: clinical testing. Allele origin: germline.
Comment: This sequence change replaces glutamine, which is neutral and polar, with lysine, which is basic and polar, at codon 525 of the SPAST protein (p.Gln525Lys). This variant is not present in population databases (gnomAD no frequency). This missense change has been observed in individual(s) with clinical features of SPAST-related conditions (PMID: 26208798; Invitae). Advanced modeling of protein sequence and biophysical properties (such as structural, functional, and spatial information, amino acid conservation, physicochemical variation, residue mobility, and thermodynamic stability) performed at Invitae indicates that this missense variant is not expected to disrupt SPAST protein function with a negative predictive value of 80%. In summary, the available evidence is currently insufficient to determine the role of this variant in disease. Therefore, it has been classified as a Variant of Uncertain Significance.

Literature cited by the submitters: PubMed 26208798.

NM_014946.4(SPAST):c.1573C>A (p.Gln525Lys)

Gene: SPAST (spastin; plus strand). Cytogenetic location: 2p22.3.
Variant type: single nucleotide variant.
Coding change: c.1573C>A on transcript NM_014946.4 (MANE Select); coding-DNA position 1573, C replaced by A.
Protein change: p.Gln525Lys; replaces glutamine 525 with lysine.
Molecular consequence: missense variant.
Genome position (GRCh38, 1-based): chr2:32,143,372, C>A. VCF-style: chr2-32143372-C-A. GRCh37 (hg19) VCF-style: chr2-32368441-C-A.
Other names: c.1570C>A, p.Gln524Lys (NM_001363823.2); c.1474C>A, p.Gln492Lys (NM_001363875.2); c.1477C>A, p.Gln493Lys (NM_001377959.1, NM_199436.2); short protein forms Q492K, Q525K, Q524K, Q493K.
Identifiers: ClinVar variation 3656715 (VCV003656715.2).
Genomic context (GRCh38, chr2:32,143,372, plus strand): 5'-TGATCATTTTTTAATATTTTTCAGACAAGACTACTTTTGCTTAAAAATCTGTTATGTAAA[C>A]AAGGAAGTCCATTGACCCAAAAAGAACTAGCACAACTTGCTAGGTGAGTAATTTGGATTT-3'
Protein context (NP_055761.2, residues 515-535): LLLLKNLLCK[Gln525Lys]GSPLTQKELA